The following is an entry in ClinVar:

NM_014915.3(ANKRD26):c.4707G>A (p.Leu1569=)

Gene: ANKRD26 (ankyrin repeat domain 26; minus strand). Cytogenetic location: 10p12.1.
Variant type: single nucleotide variant.
Coding change: c.4707G>A on transcript NM_014915.3 (MANE Select); coding-DNA position 4707, G replaced by A.
Protein change: p.Leu1569=; no amino-acid change (leucine 1569 retained).
Molecular consequence: synonymous variant.
Genome position (GRCh38, 1-based): chr10:27,014,511, C>T on the plus strand (G>A on the coding strand, the complement: ANKRD26 is on the minus strand). VCF-style: chr10-27014511-C-T. GRCh37 (hg19) VCF-style: chr10-27303440-C-T.
Other names: c.4704G>A, p.Leu1568= (NM_001256053.2).
Identifiers: ClinVar variation 2885292 (VCV002885292.6), dbSNP rs369676324, ClinGen allele CA5447743.

ClinVar aggregate classification (germline): Likely benign. Review status: criteria provided, multiple submitters, no conflicts (2 of 4 stars). 3 submissions from 3 submitters: Likely benign (2). 1 of the submissions does not count toward it. Last evaluated 2025-02-21.

Conditions:
Inborn genetic diseases. Identifiers: MedGen C0950123, MeSH D030342.
ANKRD26-related disorder. Also called: ANKRD26-related condition.

Allele frequency attached by ClinVar (database versions not stated): TOPMed 0.00001; gnomAD exomes 0.00003; ExAC 0.00004; ESP Exome Variant Server 0.00009.
gnomAD v4.1: 37 of 1,580,344 alleles (0.0023%); highest among the groups gnomAD compares: Non-Finnish European, 0.0032%; no homozygotes.

Submissions (3):

Ambry Genetics
Classification: Likely benign for Inborn genetic diseases. Last evaluated: 2025-02-21. Review status: criteria provided, single submitter. Criteria: Ambry Variant Classification Scheme 2023. Collection method: clinical testing. Allele origin: germline.

Labcorp Genetics (formerly Invitae), Labcorp
Classification: Likely benign. Last evaluated: 2024-05-01. Review status: criteria provided, single submitter. Criteria: Invitae Variant Classification Sherloc (09022015). Collection method: clinical testing. Allele origin: germline.

PreventionGenetics, part of Exact Sciences
Classification: Likely benign for ANKRD26-related condition. Last evaluated: 2019-04-30. Review status: no assertion criteria provided. Collection method: clinical testing. Allele origin: germline. Not counted in ClinVar's aggregate classification.
Comment: This variant is classified as likely benign based on ACMG/AMP sequence variant interpretation guidelines (Richards et al. 2015 PMID: 25741868, with internal and published modifications).